The following is an entry in ClinVar:

ClinVar aggregate classification (germline): Uncertain significance (1 of 4 stars; one submission).

Conditions:
Perlman syndrome (PRLMNS). Identifiers: Orphanet 2849, MedGen C0796113, MONDO:0009965, OMIM 267000.

Allele frequency attached by ClinVar (database versions not stated): gnomAD exomes below 0.00001.
gnomAD v4.1: 1 of 1,600,658 alleles (0.000062%); highest among the groups gnomAD compares: Non-Finnish European, 0.000085%; no homozygotes.

Submission:

Labcorp Genetics (formerly Invitae), Labcorp
Classification: Uncertain significance for Perlman syndrome. Last evaluated: 2022-02-20. Review status: criteria provided, single submitter. Criteria: Invitae Variant Classification Sherloc (09022015). Collection method: clinical testing. Allele origin: germline.
Comment: This variant has not been reported in the literature in individuals affected with DIS3L2-related conditions. In summary, the available evidence is currently insufficient to determine the role of this variant in disease. Therefore, it has been classified as a Variant of Uncertain Significance. Algorithms developed to predict the effect of missense changes on protein structure and function are either unavailable or do not agree on the potential impact of this missense change (SIFT: "Tolerated"; PolyPhen-2: "Possibly Damaging"; Align-GVGD: "Class C0"). This variant is not present in population databases (gnomAD no frequency). This sequence change replaces serine, which is neutral and polar, with threonine, which is neutral and polar, at codon 87 of the DIS3L2 protein (p.Ser87Thr).

NM_152383.5(DIS3L2):c.259T>A (p.Ser87Thr)

Gene: DIS3L2 (DIS3 like 3'-5' exoribonuclease 2; plus strand). Cytogenetic location: 2q37.1.
Variant type: single nucleotide variant.
Coding change: c.259T>A on transcript NM_152383.5 (MANE Select); coding-DNA position 259, T replaced by A.
Protein change: p.Ser87Thr; replaces serine 87 with threonine.
Molecular consequence: missense variant. On other transcripts: non-coding transcript variant (2).
Genome position (GRCh38, 1-based): chr2:232,024,325, T>A. VCF-style: chr2-232024325-T-A. GRCh37 (hg19) VCF-style: chr2-232889035-T-A.
Other names: c.259T>A, p.Ser87Thr (NM_001257281.2, NM_001257282.2); short protein forms S87T.
Identifiers: ClinVar variation 2421406 (VCV002421406.6), dbSNP rs938276359, ClinGen allele CA67500150.